The following is an entry in ClinVar:

ClinVar aggregate classification (germline): Uncertain significance. Review status: criteria provided, multiple submitters, no conflicts (2 of 4 stars). 3 submissions from 3 submitters: Uncertain significance (3). Last evaluated 2025-11-23.

Conditions:
Neuropathy, hereditary sensory and autonomic, type 2A (HSAN2A). Also called: WNK1-Related HSAN2 (HSAN2A); HSAN IIA; ACROOSTEOLYSIS, GIACCAI TYPE; ACROOSTEOLYSIS, NEUROGENIC; MORVAN DISEASE; NEUROPATHY, CONGENITAL SENSORY. Identifiers: Orphanet 970, MedGen C2752089, MONDO:0024309, OMIM 201300.
Pseudohypoaldosteronism type 2C (PHA2C). Also called: Pseudohypoaldosteronism Type IIC. Identifiers: Orphanet 757, Orphanet 88940, MedGen C1840391, MONDO:0013778, OMIM 614492.

Allele frequency attached by ClinVar (database versions not stated): ExAC 0.00002; gnomAD exomes 0.00002 and 0.00003; gnomAD 0.00003; TOPMed 0.00003.
gnomAD v4.1: 41 of 1,605,686 alleles (0.0026%); highest among the groups gnomAD compares: Non-Finnish European, 0.0034%; no homozygotes.

Submissions (3):

Labcorp Genetics (formerly Invitae), Labcorp
Classification: Uncertain significance for Neuropathy, hereditary sensory and autonomic, type 2A; Pseudohypoaldosteronism type 2C. Last evaluated: 2025-11-23. Review status: criteria provided, single submitter. Criteria: Invitae Variant Classification Sherloc (09022015). Collection method: clinical testing. Allele origin: germline.
Comment: This sequence change replaces serine, which is neutral and polar, with asparagine, which is neutral and polar, at codon 2101 of the WNK1 protein (p.Ser2101Asn). This variant is present in population databases (rs766291907, gnomAD 0.004%). This variant has not been reported in the literature in individuals affected with WNK1-related conditions. ClinVar contains an entry for this variant (Variation ID: 1463808). Invitae Evidence Modeling of protein sequence and biophysical properties (such as structural, functional, and spatial information, amino acid conservation, physicochemical variation, residue mobility, and thermodynamic stability) indicates that this missense variant is not expected to disrupt WNK1 protein function with a negative predictive value of 95%. In summary, the available evidence is currently insufficient to determine the role of this variant in disease. Therefore, it has been classified as a Variant of Uncertain Significance.

CeGaT Center for Human Genetics Tuebingen
Classification: Uncertain significance. Last evaluated: 2025-08-01. Review status: criteria provided, single submitter. Criteria: CeGaT Center For Human Genetics Tuebingen Variant Classification Criteria Version 2. Collection method: clinical testing. Allele origin: germline. Affected: yes. Observed: 1 variant allele.
Comment: WNK1: PM2, BP4

Mayo Clinic Laboratories, Mayo Clinic
Classification: Uncertain significance. Last evaluated: 2021-04-14. Review status: criteria provided, single submitter. Criteria: ACMG Guidelines, 2015. Collection method: clinical testing. Allele origin: germline.

NM_018979.4(WNK1):c.5546G>A (p.Ser1849Asn)

Gene: WNK1 (WNK lysine deficient protein kinase 1; plus strand). Cytogenetic location: 12p13.33.
Variant type: single nucleotide variant.
Coding change: c.5546G>A on transcript NM_018979.4 (MANE Select); coding-DNA position 5546, G replaced by A.
Protein change: p.Ser1849Asn; replaces serine 1849 with asparagine.
Molecular consequence: missense variant.
Genome position (GRCh38, 1-based): chr12:894,598, G>A. VCF-style: chr12-894598-G-A. GRCh37 (hg19) VCF-style: chr12-1003764-G-A.
Other names: p.Ser1849Asn; c.6326G>A, p.Ser2109Asn (NM_001184985.2); c.4802G>A, p.Ser1601Asn (NM_014823.3); c.6302G>A, p.Ser2101Asn (NM_213655.5); short protein forms S1601N, S1849N, S2101N, S2109N.
Identifiers: ClinVar variation 1463808 (VCV001463808.19), dbSNP rs766291907, ClinGen allele CA6383229.